The following is an entry in ClinVar:

NM_015602.4(TOR1AIP1):c.554-1G>A

Gene: TOR1AIP1 (torsin 1A interacting protein 1; plus strand). Cytogenetic location: 1q25.2.
Variant type: single nucleotide variant.
Coding change: c.554-1G>A on transcript NM_015602.4 (MANE Select); the canonical splice acceptor site of the intron before coding-DNA position 554, G replaced by A.
Molecular consequence: splice acceptor variant. On other transcripts: missense variant (1).
Genome position (GRCh38, 1-based): chr1:179,889,312, G>A. VCF-style: chr1-179889312-G-A. GRCh37 (hg19) VCF-style: chr1-179858447-G-A.
Other names: c.556G>A, p.Val186Met (NM_001267578.2); short protein forms V186M.
Identifiers: ClinVar variation 1342253 (VCV001342253.8), dbSNP rs200993053, ClinGen allele CA33715182.

ClinVar aggregate classification (germline): Conflicting classifications of pathogenicity. Review status: criteria provided, conflicting classifications (1 of 4 stars). 2 submissions from 2 submitters: Uncertain significance (1); Benign (1). Last evaluated 2025-04-14.

Conditions:
Autosomal recessive limb-girdle muscular dystrophy type 2Y (MRRSDC). Also called: Muscular dystrophy, autosomal recessive, with rigid spine and distal joint contractures; Muscular dystrophy, limb-girdle, type 2y. Identifiers: Orphanet 424261, MedGen C4511482, MONDO:0014900, OMIM 617072.

Allele frequency attached by ClinVar (database versions not stated): gnomAD 0.00003; TOPMed 0.00003.

Submissions (2):

Labcorp Genetics (formerly Invitae), Labcorp
Classification: Uncertain significance for Autosomal recessive limb-girdle muscular dystrophy type 2Y. Last evaluated: 2025-04-14. Review status: criteria provided, single submitter. Criteria: Invitae Variant Classification Sherloc (09022015). Collection method: clinical testing. Allele origin: germline.
Comment: This sequence change replaces valine, which is neutral and non-polar, with methionine, which is neutral and non-polar, at codon 186 of the TOR1AIP1 protein (p.Val186Met). This variant is present in population databases (no rsID available, gnomAD 0.007%). This variant has not been reported in the literature in individuals affected with TOR1AIP1-related conditions. ClinVar contains an entry for this variant (Variation ID: 1342253). An algorithm developed to predict the effect of missense changes on protein structure and function outputs the following: PolyPhen-2: "Benign". The methionine amino acid residue is found in multiple mammalian species, which suggests that this missense change does not adversely affect protein function. In summary, the available evidence is currently insufficient to determine the role of this variant in disease. Therefore, it has been classified as a Variant of Uncertain Significance.

Genome-Nilou Lab
Classification: Benign for Autosomal recessive limb-girdle muscular dystrophy type 2Y. Last evaluated: 2021-09-10. Review status: criteria provided, single submitter. Criteria: ACMG Guidelines, 2015. Collection method: clinical testing. Allele origin: germline. Affected: no.